The following is an entry in ClinVar:

ClinVar aggregate classification (germline): Uncertain significance. Review status: criteria provided, multiple submitters, no conflicts (2 of 4 stars). 2 submissions from 2 submitters: Uncertain significance (2). Last evaluated 2025-02-21.

Conditions:
UNC13A-related disorder. Also called: UNC13A-related condition.

Allele frequency attached by ClinVar (database versions not stated): gnomAD exomes 0.00001; ExAC 0.00002; gnomAD 0.00004; TOPMed 0.00004.
gnomAD v4.1: 14 of 1,613,818 alleles (0.00087%); highest among the groups gnomAD compares: African/African-American, 0.016%; no homozygotes.

Submissions (2):

PreventionGenetics, part of Exact Sciences
Classification: Uncertain significance for UNC13A-related condition. Last evaluated: 2025-02-21. Review status: criteria provided, single submitter. Criteria: ACMG Guidelines, 2015. Collection method: clinical testing. Allele origin: germline.
Comment: The UNC13A c.691C>T variant is predicted to result in the amino acid substitution p.Pro231Ser. To our knowledge, this variant has not been reported in the literature. This variant is reported in 0.025% of alleles in individuals of African descent in gnomAD. At this time, the clinical significance of this variant is uncertain due to the absence of conclusive functional and genetic evidence.

Ambry Genetics
Classification: Uncertain significance. Last evaluated: 2021-08-17. Review status: criteria provided, single submitter. Criteria: Ambry Variant Classification Scheme 2023. Collection method: clinical testing. Allele origin: germline.

NM_001080421.3(UNC13A):c.691C>T (p.Pro231Ser)

Gene: UNC13A (unc-13 homolog A; minus strand). Cytogenetic location: 19p13.11.
Variant type: single nucleotide variant.
Coding change: c.691C>T on transcript NM_001080421.3 (MANE Select); coding-DNA position 691, C replaced by T.
Protein change: p.Pro231Ser; replaces proline 231 with serine.
Molecular consequence: missense variant.
Genome position (GRCh38, 1-based): chr19:17,658,138, G>A on the plus strand (C>T on the coding strand, the complement: UNC13A is on the minus strand). VCF-style: chr19-17658138-G-A. GRCh37 (hg19) VCF-style: chr19-17768947-G-A.
Other names: c.691C>T, p.Pro231Ser (NM_001387021.1, NM_001387022.1, NM_001387023.1); short protein forms P231S.
Identifiers: ClinVar variation 2246168 (VCV002246168.3), dbSNP rs754719859, ClinGen allele CA9298683.